The following is an entry in ClinVar:

NM_000168.6(GLI3):c.4610del (p.Arg1537fs)

Gene: GLI3 (GLI family zinc finger 3; minus strand). Cytogenetic location: 7p14.1.
Variant type: Deletion.
Coding change: c.4610del on transcript NM_000168.6 (MANE Select); coding-DNA position 4610, one base deleted (G; older notation c.4610delG).
Protein change: p.Arg1537fs; shifts the reading frame from arginine 1537.
Molecular consequence: frameshift variant.
Genome position (GRCh38, 1-based): chr7:41,964,463, C deleted on the plus strand (G on the coding strand, the reverse complement: GLI3 is on the minus strand). VCF-style (leftmost placement, unchanged base first): chr7-41964462-GC-G. GRCh37 (hg19) VCF-style: chr7-42004060-GC-G.
Other names: short protein forms R1537fs.
Identifiers: ClinVar variation 4787130 (VCV004787130.1).
Genomic context (GRCh38, chr7:41,964,462, plus strand): 5'-CATGTTGGTGGTGCTCATGGACAGCGCTGGGAATGGGAGGGACGCCCGAGGCGTGGTGAG[GC>G]GGGAGGAGCTATGGGAAAGGTTCTGAATGATACTTGGGCTCAGGGCCCCCGACATCAGGC-3'

ClinVar aggregate classification (germline): Pathogenic (1 of 4 stars; one submission).

Conditions:
Pallister-Hall syndrome (PHS). Also called: GLI3-Related Pallister-Hall Syndrome; HYPOTHALAMIC HAMARTOBLASTOMA, HYPOPITUITARISM, IMPERFORATE ANUS, AND POSTAXIAL POLYDACTYLY. Identifiers: Orphanet 672, MedGen C0265220, MONDO:0007804, OMIM 146510.
Greig cephalopolysyndactyly syndrome (GCPS). Also called: POLYSYNDACTYLY WITH PECULIAR SKULL SHAPE; Greig syndrome; GLI3-Related Greig Cephalopolysyndactyly Syndrome. Identifiers: Orphanet 380, MedGen C0265306, MONDO:0008287, OMIM 175700.

Submission:

Labcorp Genetics (formerly Invitae), Labcorp
Classification: Pathogenic for Pallister-Hall syndrome; Greig cephalopolysyndactyly syndrome. Last evaluated: 2025-12-24. Review status: criteria provided, single submitter. Criteria: Invitae Variant Classification Sherloc (09022015). Collection method: clinical testing. Allele origin: germline.
Comment: This sequence change creates a premature translational stop signal (p.Arg1537Profs*16) in the GLI3 gene. While this is not anticipated to result in nonsense mediated decay, it is expected to disrupt the last 44 amino acid(s) of the GLI3 protein. This variant is not present in population databases (gnomAD no frequency). This variant has not been reported in the literature in individuals affected with GLI3-related conditions. Algorithms developed to predict the effect of sequence changes on RNA splicing suggest that this variant may create or strengthen a splice site. This variant disrupts a region of the GLI3 protein in which other variant(s) (p.Thr1540Argfs*13) have been determined to be pathogenic (internal data). This suggests that this is a clinically significant region of the protein, and that variants that disrupt it are likely to be disease-causing. For these reasons, this variant has been classified as Pathogenic.